The following is an entry in ClinVar:

NM_000447.3(PSEN2):c.202_210del (p.Val68_Gly70del)

Gene: PSEN2 (presenilin 2; plus strand). Cytogenetic location: 1q42.13.
Variant type: Deletion.
Coding change: c.202_210del on transcript NM_000447.3 (MANE Select); coding-DNA positions 202 to 210, 9 bases deleted (GTTCCCGGG; older notation c.202_210delGTTCCCGGG).
Protein change: p.Val68_Gly70del.
Genome position (GRCh38, 1-based): chr1:226,883,765-226,883,773, GTTCCCGGG deleted; deleting any 9 consecutive bases within chr1:226,883,762-226,883,773 gives the same sequence; the c. name uses the placement nearest the transcript's 3' end. VCF-style (leftmost placement, unchanged base first): chr1-226883761-TGGGGTTCCC-T. GRCh37 (hg19) VCF-style: chr1-227071462-TGGGGTTCCC-T.
Other names: c.202_210del, p.Val68_Gly70del (NM_001437537.1, NM_012486.3).
Identifiers: ClinVar variation 4775246 (VCV004775246.1).
Genomic context (GRCh38, chr1:226,883,761, plus strand): 5'-ACAGAGAAGCCAGGAGAACGAGGAGGACGGTGAGGAGGACCCTGACCGCTATGTCTGTAG[TGGGGTTCCC>T]GGGCGGCCGCCAGGCCTGGAGGAAGAGCTGACCCTCAAATACGGAGCGAAGCACGTGATC-3'

ClinVar aggregate classification (germline): Uncertain significance (1 of 4 stars; one submission).

Conditions:
Alzheimer disease 4 (AD4). Identifiers: Orphanet 1020, MedGen C1847200, MONDO:0011743, OMIM 606889.

Submission:

Labcorp Genetics (formerly Invitae), Labcorp
Classification: Uncertain significance for Alzheimer disease 4. Last evaluated: 2025-07-06. Review status: criteria provided, single submitter. Criteria: Invitae Variant Classification Sherloc (09022015). Collection method: clinical testing. Allele origin: germline.
Comment: This variant, c.202_210del, results in the deletion of 3 amino acid(s) of the PSEN2 protein (p.Val68_Gly70del), but otherwise preserves the integrity of the reading frame. This variant is not present in population databases (gnomAD no frequency). This variant has not been reported in the literature in individuals affected with PSEN2-related conditions. Experimental studies and prediction algorithms are not available or were not evaluated, and the functional significance of this variant is currently unknown. In summary, the available evidence is currently insufficient to determine the role of this variant in disease. Therefore, it has been classified as a Variant of Uncertain Significance.